The following is an entry in ClinVar:

NM_020822.3(KCNT1):c.1373G>A (p.Ser458Asn)

Gene: KCNT1 (potassium sodium-activated channel subfamily T member 1; plus strand). Cytogenetic location: 9q34.3.
Variant type: single nucleotide variant.
Coding change: c.1373G>A on transcript NM_020822.3 (MANE Select); coding-DNA position 1373, G replaced by A.
Protein change: p.Ser458Asn; replaces serine 458 with asparagine.
Molecular consequence: missense variant.
Genome position (GRCh38, 1-based): chr9:135,768,645, G>A. VCF-style: chr9-135768645-G-A. GRCh37 (hg19) VCF-style: chr9-138660491-G-A.
Other names: c.1238G>A, p.Ser413Asn (NM_001272003.2); short protein forms S458N, S413N.
Identifiers: ClinVar variation 2085757 (VCV002085757.4), dbSNP rs2490942005, ClinGen allele CA375504729.
Genomic context (GRCh38, chr9:135,768,645, plus strand): 5'-ACGCTCAGGCCCTGGTGCATTGCAGGATGGACAATGGGGAGGCCTGCTTCATCCTCAGCA[G>A]CAGGAACGAGGTGGACCGCACGGCTGCAGTGAGTGAGGCTGAGGCCCTGCCCAGGCGGGA-3'
Protein context (NP_065873.2, residues 448-468): DNGEACFILS[Ser458Asn]RNEVDRTAAD

ClinVar aggregate classification (germline): Uncertain significance (1 of 4 stars; one submission).

Conditions:
Autosomal dominant nocturnal frontal lobe epilepsy 5. Also called: CILIARY DYSKINESIA, PRIMARY, 28, WITHOUT SITUS INVERSUS; CILIARY DYSKINESIA, PRIMARY, 28, WITH SITUS INVERSUS; Epilepsy, nocturnal frontal lobe, 5; KCNT1-Related Epilepsy. Identifiers: Orphanet 98784, MedGen C3554306, MONDO:0014002, OMIM 615005.
Developmental and epileptic encephalopathy, 14 (DEE14). Also called: Early infantile epileptic encephalopathy 14. Identifiers: Orphanet 293181, MedGen C3554195, MONDO:0013989, OMIM 614959.

Submission:

Labcorp Genetics (formerly Invitae), Labcorp
Classification: Uncertain significance for Autosomal dominant nocturnal frontal lobe epilepsy 5; Developmental and epileptic encephalopathy, 14. Last evaluated: 2022-01-16. Review status: criteria provided, single submitter. Criteria: Invitae Variant Classification Sherloc (09022015). Collection method: clinical testing. Allele origin: germline.
Comment: This sequence change replaces serine, which is neutral and polar, with asparagine, which is neutral and polar, at codon 458 of the KCNT1 protein (p.Ser458Asn). This variant is not present in population databases (gnomAD no frequency). This variant has not been reported in the literature in individuals affected with KCNT1-related conditions. Algorithms developed to predict the effect of missense changes on protein structure and function are either unavailable or do not agree on the potential impact of this missense change (SIFT: "Deleterious"; PolyPhen-2: "Benign"; Align-GVGD: "Class C0"). In summary, the available evidence is currently insufficient to determine the role of this variant in disease. Therefore, it has been classified as a Variant of Uncertain Significance.